The following is an entry in ClinVar:

NM_001128178.3(NPHP1):c.337G>T (p.Ala113Ser)

Gene: NPHP1 (nephrocystin 1; minus strand). Cytogenetic location: 2q13.
Variant type: single nucleotide variant.
Coding change: c.337G>T on transcript NM_001128178.3 (MANE Select); coding-DNA position 337, G replaced by T.
Protein change: p.Ala113Ser; replaces alanine 113 with serine.
Molecular consequence: missense variant.
Genome position (GRCh38, 1-based): chr2:110,169,991, C>A on the plus strand (G>T on the coding strand, the complement: NPHP1 is on the minus strand). VCF-style: chr2-110169991-C-A. GRCh37 (hg19) VCF-style: chr2-110927568-C-A.
Other names: c.337G>T, p.Ala113Ser (NM_000272.5, NM_001374256.1, NM_001374257.1 and 1 more transcripts); c.151G>T, p.Ala51Ser (NM_001128179.3); short protein forms A51S, A113S.
Identifiers: ClinVar variation 938355 (VCV000938355.7), dbSNP rs1683007830, ClinGen allele CA348093206.

ClinVar aggregate classification (germline): Uncertain significance (1 of 4 stars; one submission).

Conditions:
Nephronophthisis. Also called: Juvenile Nephronophthisis. Identifiers: Orphanet 655, MedGen C0687120, MONDO:0019005, HP:0000090.

Allele frequency attached by ClinVar (database versions not stated): gnomAD exomes below 0.00001.
gnomAD v4.1: 6 of 1,612,602 alleles (0.00037%); highest among the groups gnomAD compares: South Asian, 0.0011%; no homozygotes.

Submission:

Labcorp Genetics (formerly Invitae), Labcorp
Classification: Uncertain significance for Nephronophthisis. Last evaluated: 2022-07-12. Review status: criteria provided, single submitter. Criteria: Invitae Variant Classification Sherloc (09022015). Collection method: clinical testing. Allele origin: germline.
Comment: This sequence change replaces alanine, which is neutral and non-polar, with serine, which is neutral and polar, at codon 113 of the NPHP1 protein (p.Ala113Ser). This variant is not present in population databases (gnomAD no frequency). This variant has not been reported in the literature in individuals affected with NPHP1-related conditions. ClinVar contains an entry for this variant (Variation ID: 938355). Algorithms developed to predict the effect of missense changes on protein structure and function (SIFT, PolyPhen-2, Align-GVGD) all suggest that this variant is likely to be tolerated. In summary, the available evidence is currently insufficient to determine the role of this variant in disease. Therefore, it has been classified as a Variant of Uncertain Significance.